The following is an entry in ClinVar:

ClinVar aggregate classification (germline): Benign/Likely benign. Review status: criteria provided, multiple submitters, no conflicts (2 of 4 stars). 3 submissions from 3 submitters: Benign (1); Likely benign (2). Last evaluated 2026-01-24.

Conditions:
Hereditary acrodermatitis enteropathica (AEZ). Also called: Acrodermatitis enteropathica. Identifiers: Orphanet 37, MedGen C0221036, MONDO:0008713, OMIM 201100.

Allele frequency attached by ClinVar (database versions not stated): ESP Exome Variant Server 0.00008; gnomAD exomes 0.00026 and 0.00114; gnomAD 0.00058 and 0.00062; TOPMed 0.00083; ExAC 0.00107; 1000 Genomes Project 0.00160; 1000 Genomes Project 30x 0.00219.

Submissions (3):

Labcorp Genetics (formerly Invitae), Labcorp
Classification: Benign. Last evaluated: 2026-01-24. Review status: criteria provided, single submitter. Criteria: Invitae Variant Classification Sherloc (09022015). Collection method: clinical testing. Allele origin: germline.

Blueprint Genetics
Classification: Likely benign. Last evaluated: 2024-10-23. Review status: criteria provided, single submitter. Criteria: ACMG Guidelines, 2015. Collection method: clinical testing. Allele origin: germline.

Illumina Laboratory Services, Illumina
Classification: Likely benign for Hereditary acrodermatitis enteropathica. Last evaluated: 2018-01-13. Review status: criteria provided, single submitter. Criteria: ICSL Variant Classification Criteria 13 December 2019. Collection method: clinical testing. Allele origin: germline.
Comment: This variant was observed in the ICSL laboratory as part of a predisposition screen in an ostensibly healthy population. It had not been previously curated by ICSL or reported in the Human Gene Mutation Database (HGMD: prior to June 1st, 2018), and was therefore a candidate for classification through an automated scoring system. Utilizing variant allele frequency, disease prevalence and penetrance estimates, and inheritance mode, an automated score was calculated to assess if this variant is too frequent to cause the disease. Based on the score and internal cut-off values, a variant classified as likely benign is not then subjected to further curation. The score for this variant resulted in a classification of likely benign for this disease.

NM_130849.4(SLC39A4):c.976+15C>T

Gene: SLC39A4 (solute carrier family 39 member 4; minus strand). Cytogenetic location: 8q24.3.
Variant type: single nucleotide variant.
Coding change: c.976+15C>T on transcript NM_130849.4 (MANE Select); 15 bases into the intron after coding-DNA position 976, C replaced by T.
Molecular consequence: intron variant.
Genome position (GRCh38, 1-based): chr8:144,414,710, G>A on the plus strand (C>T on the coding strand, the complement: SLC39A4 is on the minus strand). VCF-style: chr8-144414710-G-A. GRCh37 (hg19) VCF-style: chr8-145640094-G-A.
Other names: c.694+15C>T (NM_001374839.1); c.901+15C>T (NM_017767.3).
Identifiers: ClinVar variation 909007 (VCV000909007.8), dbSNP rs183614749, ClinGen allele CA4941463.
Genomic context (GRCh38, chr8:144,414,710, plus strand): 5'-CTGGGCAGCCACTCCTTCCTTCCTACACGGGCTCCACCTCTGTGCTGCCAGCACAATGTC[G>A]GCGTGGGCACTCACTCTCTGACTGGCTGAGCTGGTCCTGGACGGGGGGCCTGGACTGGGA-3'